The following is an entry in ClinVar:

ClinVar aggregate classification (germline): Uncertain significance (1 of 4 stars; one submission).

Submission:

Labcorp Genetics (formerly Invitae), Labcorp
Classification: Uncertain significance. Last evaluated: 2025-02-28. Review status: criteria provided, single submitter. Criteria: Invitae Variant Classification Sherloc (09022015). Collection method: clinical testing. Allele origin: germline.
Comment: This sequence change replaces glycine, which is neutral and non-polar, with aspartic acid, which is acidic and polar, at codon 1537 of the COL7A1 protein (p.Gly1537Asp). This variant is not present in population databases (gnomAD no frequency). This variant has not been reported in the literature in individuals affected with COL7A1-related conditions. Invitae Evidence Modeling of protein sequence and biophysical properties (such as structural, functional, and spatial information, amino acid conservation, physicochemical variation, residue mobility, and thermodynamic stability) indicates that this missense variant is expected to disrupt COL7A1 protein function with a positive predictive value of 95%. This variant disrupts the triple helix domain of COL7A1. Glycine residues within the Gly-Xaa-Yaa repeats of the triple helix domain are required for the structure and stability of fibrillar collagens (PMID: 7695699, 8218237, 19344236), and variants at these glycine residues in COL7A1 are more frequently observed in individuals with disease than in the general population (PMID: 22058051). However, the clinical significance of this observation remains uncertain since only a limited number of affected individuals have been described to date. In summary, the available evidence is currently insufficient to determine the role of this variant in disease. Therefore, it has been classified as a Variant of Uncertain Significance.

Literature cited by the submitters: PubMed 7695699; PubMed 8218237; PubMed 19344236; PubMed 22058051.

NM_000094.4(COL7A1):c.4610G>A (p.Gly1537Asp)

Gene: COL7A1 (collagen type VII alpha 1 chain; minus strand). Cytogenetic location: 3p21.31.
Variant type: single nucleotide variant.
Coding change: c.4610G>A on transcript NM_000094.4 (MANE Select); coding-DNA position 4610, G replaced by A.
Protein change: p.Gly1537Asp; replaces glycine 1537 with aspartic acid.
Molecular consequence: missense variant.
Genome position (GRCh38, 1-based): chr3:48,582,348, C>T on the plus strand (G>A on the coding strand, the complement: COL7A1 is on the minus strand). VCF-style: chr3-48582348-C-T. GRCh37 (hg19) VCF-style: chr3-48619781-C-T.
Other names: short protein forms G1537D.
Identifiers: ClinVar variation 4801662 (VCV004801662.1).